The following is an entry in ClinVar:

NM_001205293.3(CACNA1E):c.2552G>A (p.Ser851Asn)

Gene: CACNA1E (calcium voltage-gated channel subunit alpha1 E; plus strand). Cytogenetic location: 1q25.3.
Variant type: single nucleotide variant.
Coding change: c.2552G>A on transcript NM_001205293.3 (MANE Select); coding-DNA position 2552, G replaced by A.
Protein change: p.Ser851Asn; replaces serine 851 with asparagine.
Molecular consequence: missense variant.
Genome position (GRCh38, 1-based): chr1:181,732,638, G>A. VCF-style: chr1-181732638-G-A. GRCh37 (hg19) VCF-style: chr1-181701774-G-A.
Other names: c.2552G>A, p.Ser851Asn (NM_000721.4); c.2495G>A, p.Ser832Asn (NM_001205294.2); short protein forms S832N, S851N.
Identifiers: ClinVar variation 2770713 (VCV002770713.3), dbSNP rs2528695837, ClinGen allele CA343617687.

ClinVar aggregate classification (germline): Uncertain significance (1 of 4 stars; one submission).

Allele frequency attached by ClinVar (database versions not stated): gnomAD exomes 0.00001.
gnomAD v4.1: 12 of 1,497,144 alleles (0.0008%); highest among the groups gnomAD compares: Non-Finnish European, 0.0011%; no homozygotes.

Submission:

Labcorp Genetics (formerly Invitae), Labcorp
Classification: Uncertain significance. Last evaluated: 2023-10-22. Review status: criteria provided, single submitter. Criteria: Invitae Variant Classification Sherloc (09022015). Collection method: clinical testing. Allele origin: germline.
Comment: This sequence change replaces serine, which is neutral and polar, with asparagine, which is neutral and polar, at codon 851 of the CACNA1E protein (p.Ser851Asn). This variant is not present in population databases (gnomAD no frequency). This variant has not been reported in the literature in individuals affected with CACNA1E-related conditions. Algorithms developed to predict the effect of missense changes on protein structure and function output the following: SIFT: "Not Available"; PolyPhen-2: "Benign"; Align-GVGD: "Not Available". The asparagine amino acid residue is found in multiple mammalian species, which suggests that this missense change does not adversely affect protein function. In summary, the available evidence is currently insufficient to determine the role of this variant in disease. Therefore, it has been classified as a Variant of Uncertain Significance.